The following is an entry in ClinVar:

NM_000155.4(GALT):c.904+1G>A

Gene: GALT (galactose-1-phosphate uridylyltransferase; plus strand). Cytogenetic location: 9p13.3.
Variant type: single nucleotide variant.
Coding change: c.904+1G>A on transcript NM_000155.4 (MANE Select); the canonical splice donor site of the intron after coding-DNA position 904, G replaced by A.
Molecular consequence: splice donor variant.
Genome position (GRCh38, 1-based): chr9:34,649,082, G>A. VCF-style: chr9-34649082-G-A. GRCh37 (hg19) VCF-style: chr9-34649079-G-A.
Other names: c.904+1G>A (M60091.1); c.577+1G>A (NM_001258332.2).
Identifiers: ClinVar variation 25286 (VCV000025286.12), dbSNP rs367543271, ClinGen allele CA5036240.

ClinVar aggregate classification (germline): Pathogenic/Likely pathogenic. Review status: criteria provided, multiple submitters, no conflicts (2 of 4 stars). 2 submissions from 2 submitters: Pathogenic (1); Likely pathogenic (1). Last evaluated 2025-09-01.

Conditions:
Deficiency of UDPglucose-hexose-1-phosphate uridylyltransferase. Also called: GALT deficiency; Galactosemia, classic; Transferase Deficiency Galactosemia; GALACTOSEMIA I; GALACTOSE-1-PHOSPHATE URIDYLYLTRANSFERASE DEFICIENCY. Identifiers: Orphanet 352, Orphanet 79239, MedGen C0268151, MONDO:0009258, OMIM 230400.

Allele frequency attached by ClinVar (database versions not stated): ExAC 0.00001.
gnomAD v4.1: 1 of 1,613,976 alleles (0.000062%); highest among the groups gnomAD compares: Non-Finnish European, 0.000085%; no homozygotes.

Submissions (2):

Labcorp Genetics (formerly Invitae), Labcorp
Classification: Pathogenic for Deficiency of UDPglucose-hexose-1-phosphate uridylyltransferase. Last evaluated: 2025-09-01. Review status: criteria provided, single submitter. Criteria: Invitae Variant Classification Sherloc (09022015). Collection method: clinical testing. Allele origin: germline.
Comment: This sequence change affects a donor splice site in intron 9 of the GALT gene. It is expected to disrupt RNA splicing. Variants that disrupt the donor or acceptor splice site typically lead to a loss of protein function (PMID: 16199547), and loss-of-function variants in GALT are known to be pathogenic (PMID: 22944367). This variant is present in population databases (rs367543271, gnomAD 0.0009%). Disruption of this splice site has been observed in individuals with galactosemia (PMID: 28173647, 29653003). ClinVar contains an entry for this variant (Variation ID: 25286). Algorithms developed to predict the effect of sequence changes on RNA splicing suggest that this variant may disrupt the consensus splice site. For these reasons, this variant has been classified as Pathogenic.

Juno Genomics, Hangzhou Juno Genomics, Inc
Classification: Likely pathogenic for Deficiency of UDPglucose-hexose-1-phosphate uridylyltransferase. Review status: criteria provided, single submitter. Criteria: ACMG Guidelines, 2015. Collection method: clinical testing. Allele origin: germline.
Comment: Absent from controls (or at extremely low frequency if recessive) in Genome Aggregation Database.;Null variant in a gene where loss of function (LOF) is a known mechanism of disease.;Same amino acid change as a previously established pathogenic variant regardless of nucleotide change.

Literature cited by the submitters: PubMed 16199547 (cited by Labcorp Genetics (formerly Invitae), Labcorp); PubMed 22944367 (cited by Labcorp Genetics (formerly Invitae), Labcorp); PubMed 28173647 (cited by Labcorp Genetics (formerly Invitae), Labcorp); PubMed 29653003 (cited by Labcorp Genetics (formerly Invitae), Labcorp).